The following is an entry in ClinVar:

ClinVar aggregate classification (germline): Uncertain significance. Review status: criteria provided, multiple submitters, no conflicts (2 of 4 stars). 2 submissions from 2 submitters: Uncertain significance (2). Last evaluated 2025-07-14.

Conditions:
Familial thoracic aortic aneurysm and aortic dissection (TAAD). Also called: Thoracic aortic aneurysms and dissections. Identifiers: Orphanet 91387, MedGen C4707243, MONDO:0019625.
Loeys-Dietz syndrome 2 (LDS2). Also called: TGFBR2-Related Loeys-Dietz Syndrome; AORTIC ANEURYSM, FAMILIAL THORACIC 3; MARFAN SYNDROME, TYPE II; Marfan syndrome, type 2 (formerly); Marfan Syndrome type 2; Marfan like connective tissue disorder. Identifiers: Orphanet 284973, Orphanet 558, MedGen C2674574, MONDO:0012427, OMIM 610168.

gnomAD v4.1: 1 of 1,614,060 alleles (0.000062%); no homozygotes.

Submissions (2):

Labcorp Genetics (formerly Invitae), Labcorp
Classification: Uncertain significance for Familial thoracic aortic aneurysm and aortic dissection. Last evaluated: 2025-07-14. Review status: criteria provided, single submitter. Criteria: Invitae Variant Classification Sherloc (09022015). Collection method: clinical testing. Allele origin: germline.
Comment: This sequence change replaces alanine, which is neutral and non-polar, with valine, which is neutral and non-polar, at codon 422 of the TGFBR2 protein (p.Ala422Val). This variant is not present in population databases (gnomAD no frequency). This variant has not been reported in the literature in individuals affected with TGFBR2-related conditions. ClinVar contains an entry for this variant (Variation ID: 3071229). Invitae Evidence Modeling of protein sequence and biophysical properties (such as structural, functional, and spatial information, amino acid conservation, physicochemical variation, residue mobility, and thermodynamic stability) has been performed for this missense variant. However, the output from this modeling did not meet the statistical confidence thresholds required to predict the impact of this variant on TGFBR2 protein function. In summary, the available evidence is currently insufficient to determine the role of this variant in disease. Therefore, it has been classified as a Variant of Uncertain Significance.

All of Us Research Program, National Institutes of Health
Classification: Uncertain significance for Loeys-Dietz syndrome 2. Last evaluated: 2023-05-16. Review status: criteria provided, single submitter. Criteria: ACMG Guidelines, 2015. Collection method: clinical testing. Allele origin: germline. Inheritance: Autosomal dominant inheritance. Observed: 1 variant allele, 1 heterozygote.
Comment: This missense variant replaces alanine with valine at codon 422 of the TGFBR2 protein. Computational prediction suggests that this variant may have deleterious impact on protein structure and function (internally defined REVEL score threshold >= 0.7, PMID: 27666373). To our knowledge, functional studies have not been reported for this variant. This variant has not been reported in individuals affected with TGFBR2-related disorders in the literature. This variant has not been identified in the general population by the Genome Aggregation Database (gnomAD). The available evidence is insufficient to determine the role of this variant in disease conclusively. Therefore, this variant is classified as a Variant of Uncertain Significance.

This study involves interpretation of variants in research participants for the purpose of population health screening. Participant phenotype was not available at the time of variant classification. Additional details can be found in publication PMID: 35346344, PMCID: PMC8962531

NM_003242.6(TGFBR2):c.1265C>T (p.Ala422Val)

Gene: TGFBR2 (transforming growth factor beta receptor 2; plus strand). Cytogenetic location: 3p24.1.
Variant type: single nucleotide variant.
Coding change: c.1265C>T on transcript NM_003242.6 (MANE Select); coding-DNA position 1265, C replaced by T.
Protein change: p.Ala422Val; replaces alanine 422 with valine.
Molecular consequence: missense variant. On other transcripts: intron variant (1).
Genome position (GRCh38, 1-based): chr3:30,674,115, C>T. VCF-style: chr3-30674115-C-T. GRCh37 (hg19) VCF-style: chr3-30715607-C-T.
Other names: c.1340C>T, p.Ala447Val (NM_001024847.3); c.980C>T, p.Ala327Val (NM_001407137.1); c.905C>T, p.Ala302Val (NM_001407138.1); c.530-14272C>T (NM_001407139.1); c.1448C>T, p.Ala483Val (NM_001407126.1); c.1373C>T, p.Ala458Val (NM_001407127.1); c.1292C>T, p.Ala431Val (NM_001407128.1); c.1268C>T, p.Ala423Val (NM_001407129.1); and 2 more; short protein forms A302V, A327V, A387V, A422V, A423V, A431V, A447V, A458V.
Identifiers: ClinVar variation 3071229 (VCV003071229.2), dbSNP rs1699390424, ClinGen allele CA351808891.